The following is an entry in ClinVar:

ClinVar aggregate classification (germline): Likely pathogenic. Review status: criteria provided, multiple submitters, no conflicts (2 of 4 stars). 2 submissions from 2 submitters: Likely pathogenic (2). Last evaluated 2023-10-09.

Conditions:
Congenital myasthenic syndrome 9. Also called: Myasthenic syndrome, congenital, 9, associated with acetylcholine receptor deficiency. Identifiers: Orphanet 590, MedGen C4225368, MONDO:0014587, OMIM 616325.
Fetal akinesia deformation sequence 1 (FADS1). Also called: Fetal akinesia sequence; Pena-Shokeir syndrome type I. Identifiers: Orphanet 994, MedGen C1276035, MONDO:0100101, OMIM 208150, HP:0001989.

Allele frequency attached by ClinVar (database versions not stated): gnomAD exomes below 0.00001; ExAC 0.00001; TOPMed 0.00003.
gnomAD v4.1: 2 of 1,613,570 alleles (0.00012%); highest among the groups gnomAD compares: East Asian, 0.0045%; no homozygotes.

Submissions (2):

Labcorp Genetics (formerly Invitae), Labcorp
Classification: Likely pathogenic for Congenital myasthenic syndrome 9; Fetal akinesia deformation sequence 1. Last evaluated: 2023-10-09. Review status: criteria provided, single submitter. Criteria: Invitae Variant Classification Sherloc (09022015). Collection method: clinical testing. Allele origin: germline.
Comment: This sequence change affects a donor splice site in intron 7 of the MUSK gene. It is expected to disrupt RNA splicing. Variants that disrupt the donor or acceptor splice site typically lead to a loss of protein function (PMID: 16199547), and loss-of-function variants in MUSK are known to be pathogenic (PMID: 8653786, 25612909, 25695962, 25900532). This variant is present in population databases (rs757030913, gnomAD 0.01%). This variant has not been reported in the literature in individuals affected with MUSK-related conditions. Algorithms developed to predict the effect of sequence changes on RNA splicing suggest that this variant may disrupt the consensus splice site. In summary, the currently available evidence indicates that the variant is pathogenic, but additional data are needed to prove that conclusively. Therefore, this variant has been classified as Likely Pathogenic.

Juno Genomics, Hangzhou Juno Genomics, Inc
Classification: Likely pathogenic for Fetal akinesia deformation sequence 1; Congenital myasthenic syndrome 9. Review status: criteria provided, single submitter. Criteria: ACMG Guidelines, 2015. Collection method: clinical testing. Allele origin: germline.
Comment: Absent from controls (or at extremely low frequency if recessive) in Genome Aggregation Database.;Null variant in a gene where loss of function (LOF) is a known mechanism of disease.

Literature cited by the submitters: PubMed 16199547 (cited by Labcorp Genetics (formerly Invitae), Labcorp); PubMed 8653786 (cited by Labcorp Genetics (formerly Invitae), Labcorp); PubMed 25612909 (cited by Labcorp Genetics (formerly Invitae), Labcorp); PubMed 25695962 (cited by Labcorp Genetics (formerly Invitae), Labcorp); PubMed 25900532 (cited by Labcorp Genetics (formerly Invitae), Labcorp).

NM_005592.4(MUSK):c.913+2T>C

Gene: MUSK (muscle associated receptor tyrosine kinase; plus strand). Cytogenetic location: 9q31.3.
Variant type: single nucleotide variant.
Coding change: c.913+2T>C on transcript NM_005592.4 (MANE Select); the canonical splice donor site of the intron after coding-DNA position 913, T replaced by C.
Molecular consequence: splice donor variant.
Genome position (GRCh38, 1-based): chr9:110,747,802, T>C. VCF-style: chr9-110747802-T-C. GRCh37 (hg19) VCF-style: chr9-113510082-T-C.
Other names: c.-324+2T>C (NM_001369398.1); c.943+2T>C (NM_001166280.2); c.913+2T>C (NM_001166281.2).
Identifiers: ClinVar variation 2940824 (VCV002940824.5), dbSNP rs757030913, ClinGen allele CA5184204.